The following is an entry in ClinVar:

ClinVar aggregate classification (germline): Uncertain significance (1 of 4 stars; one submission).

Submission:

Labcorp Genetics (formerly Invitae), Labcorp
Classification: Uncertain significance. Last evaluated: 2025-03-17. Review status: criteria provided, single submitter. Criteria: Invitae Variant Classification Sherloc (09022015). Collection method: clinical testing. Allele origin: germline.
Comment: This sequence change replaces arginine, which is basic and polar, with leucine, which is neutral and non-polar, at codon 117 of the ADAM9 protein (p.Arg117Leu). This variant is not present in population databases (gnomAD no frequency). This variant has not been reported in the literature in individuals affected with ADAM9-related conditions. ClinVar contains an entry for this variant (Variation ID: 1006816). Invitae Evidence Modeling of protein sequence and biophysical properties (such as structural, functional, and spatial information, amino acid conservation, physicochemical variation, residue mobility, and thermodynamic stability) indicates that this missense variant is not expected to disrupt ADAM9 protein function with a negative predictive value of 80%. In summary, the available evidence is currently insufficient to determine the role of this variant in disease. Therefore, it has been classified as a Variant of Uncertain Significance.

NM_003816.3(ADAM9):c.350G>T (p.Arg117Leu)

Gene: ADAM9 (ADAM metallopeptidase domain 9; plus strand). Cytogenetic location: 8p11.22.
Variant type: single nucleotide variant.
Coding change: c.350G>T on transcript NM_003816.3 (MANE Select); coding-DNA position 350, G replaced by T.
Protein change: p.Arg117Leu; replaces arginine 117 with leucine.
Molecular consequence: missense variant. On other transcripts: non-coding transcript variant (3).
Genome position (GRCh38, 1-based): chr8:39,016,134, G>T. VCF-style: chr8-39016134-G-T. GRCh37 (hg19) VCF-style: chr8-38873653-G-T.
Other names: short protein forms R117L.
Identifiers: ClinVar variation 1006816 (VCV001006816.5), dbSNP rs1240471168, ClinGen allele CA370753064.